The following is an entry in ClinVar:

ClinVar aggregate classification (germline): Conflicting classifications of pathogenicity. Review status: criteria provided, conflicting classifications (1 of 4 stars). 12 submissions from 6 submitters: Uncertain significance (1); Benign (6); Likely benign (4). 1 of the submissions does not count toward it. Last evaluated 2025-09-24.

Conditions:
Acromicric dysplasia (ACMICD). Also called: Acromicric skeletal dysplasia. Identifiers: Orphanet 969, MedGen C0265287, MONDO:0007055, OMIM 102370.
Marfan syndrome (MFS). Also called: MARFAN SYNDROME, TYPE I; Marfan syndrome type 1; Marfan's syndrome; FBN1-Related Marfan Syndrome; Marfan syndrome, classic. Identifiers: Orphanet 284963, Orphanet 558, MedGen C0024796, MONDO:0007947, OMIM 154700.
Geleophysic dysplasia. Identifiers: Orphanet 2623, MedGen C3489726, MONDO:0000127.
Weill-Marchesani syndrome. Also called: WM Syndrome; Mesodermal dysmorphodystrophy congenital. Identifiers: Orphanet 3449, MedGen C0265313, MONDO:0018096.
Familial thoracic aortic aneurysm and aortic dissection (TAAD). Also called: Thoracic aortic aneurysms and dissections. Identifiers: Orphanet 91387, MedGen C4707243, MONDO:0019625.
Stiff skin syndrome (SSKS). Identifiers: Orphanet 2833, MedGen C1861456, MONDO:0008492, OMIM 184900.
Ectopia lentis 1, isolated, autosomal dominant (ECTOL1). Identifiers: Orphanet 1885, MedGen C3541518, MONDO:0007514, OMIM 129600.

Allele frequency attached by ClinVar (database versions not stated): gnomAD 0.00001 and 0.00007; TOPMed 0.00004; gnomAD exomes 0.00010; ExAC 0.00012; 1000 Genomes Project 0.00020; 1000 Genomes Project 30x 0.00031.
gnomAD v4.1: 96 of 1,613,442 alleles (0.006%); highest among the groups gnomAD compares: South Asian, 0.093%; 6 homozygotes.

Submissions (12):

Labcorp Genetics (formerly Invitae), Labcorp
Classification: Benign for Marfan syndrome; Familial thoracic aortic aneurysm and aortic dissection. Last evaluated: 2025-09-24. Review status: criteria provided, single submitter. Criteria: Invitae Variant Classification Sherloc (09022015). Collection method: clinical testing. Allele origin: germline.

CeGaT Center for Human Genetics Tuebingen
Classification: Likely benign. Last evaluated: 2024-10-01. Review status: criteria provided, single submitter. Criteria: CeGaT Center For Human Genetics Tuebingen Variant Classification Criteria Version 2. Collection method: clinical testing. Allele origin: germline. Affected: yes. Observed: 1 variant allele.
Comment: FBN1: BS2

All of Us Research Program, National Institutes of Health
Classification: Likely benign for Marfan syndrome. Last evaluated: 2024-01-03. Review status: criteria provided, single submitter. Criteria: ACMG Guidelines, 2015. Collection method: clinical testing. Allele origin: germline. Inheritance: Autosomal dominant inheritance. Observed: 2 variant alleles, 2 heterozygotes.
Comment: This missense variant replaces asparagine with isoleucine at codon 1247 of the FBN1 protein. Computational prediction is inconclusive regarding the impact of this variant on protein structure and function (internally defined REVEL score threshold 0.5 < inconclusive < 0.7, PMID: 27666373). To our knowledge, functional studies have not been reported for this variant. This variant has not been reported in individuals affected with cardiovascular disorders in the literature. This variant has been identified in 25/250892 chromosomes (23/30612 South Asian chromosomes) in the general population by the Genome Aggregation Database (gnomAD). The elevated allele frequency in the general population suggests that this variant is unlikely to be disease-causing, the available evidence is insufficient to determine the role of this variant in disease conclusively. Therefore, this variant is classified as a Variant of Uncertain Significance.

This study involves interpretation of variants in research participants for the purpose of population health screening. Participant phenotype was not available at the time of variant classification. Additional details can be found in publication PMID: 35346344, PMCID: PMC8962531

Color Diagnostics, LLC DBA Color Health
Classification: Likely benign for Familial thoracic aortic aneurysm and aortic dissection. Last evaluated: 2023-05-01. Review status: criteria provided, single submitter. Criteria: ACMG Guidelines, 2015. Collection method: clinical testing. Allele origin: germline.

Illumina Laboratory Services, Illumina
Classification: Likely benign for Marfan syndrome. Last evaluated: 2018-01-13. Review status: criteria provided, single submitter. Criteria: ICSL Variant Classification Criteria 13 December 2019. Collection method: clinical testing. Allele origin: germline.
Comment: This variant was observed in the ICSL laboratory as part of a predisposition screen in an ostensibly healthy population. It had not been previously curated by ICSL or reported in the Human Gene Mutation Database (HGMD: prior to June 1st, 2018), and was therefore a candidate for classification through an automated scoring system. Utilizing variant allele frequency, disease prevalence and penetrance estimates, and inheritance mode, an automated score was calculated to assess if this variant is too frequent to cause the disease. Based on the score and internal cut-off values, a variant classified as likely benign is not then subjected to further curation. The score for this variant resulted in a classification of likely benign for this disease.

Illumina Laboratory Services, Illumina
Classification: Benign for Geleophysic dysplasia. Last evaluated: 2018-01-13. Review status: criteria provided, single submitter. Criteria: ICSL Variant Classification Criteria 13 December 2019. Collection method: clinical testing. Allele origin: germline.
Comment: This variant was observed in the ICSL laboratory as part of a predisposition screen in an ostensibly healthy population. It had not been previously curated by ICSL or reported in the Human Gene Mutation Database (HGMD: prior to June 1st, 2018), and was therefore a candidate for classification through an automated scoring system. Utilizing variant allele frequency, disease prevalence and penetrance estimates, and inheritance mode, an automated score was calculated to assess if this variant is too frequent to cause the disease. Based on the score and internal cut-off values, a variant classified as benign is not then subjected to further curation. The score for this variant resulted in a classification of benign for this disease.

Illumina Laboratory Services, Illumina
Classification: Benign for Acromicric dysplasia. Last evaluated: 2018-01-13. Review status: criteria provided, single submitter. Criteria: ICSL Variant Classification Criteria 13 December 2019. Collection method: clinical testing. Allele origin: germline.
Comment: the same text as in the submission from Illumina Laboratory Services, Illumina above.

Illumina Laboratory Services, Illumina
Classification: Benign for Ectopia lentis 1, isolated, autosomal dominant. Last evaluated: 2018-01-13. Review status: criteria provided, single submitter. Criteria: ICSL Variant Classification Criteria 13 December 2019. Collection method: clinical testing. Allele origin: germline.
Comment: the same text as in the submission from Illumina Laboratory Services, Illumina above.

Illumina Laboratory Services, Illumina
Classification: Benign for Stiff skin syndrome. Last evaluated: 2018-01-13. Review status: criteria provided, single submitter. Criteria: ICSL Variant Classification Criteria 13 December 2019. Collection method: clinical testing. Allele origin: germline.
Comment: the same text as in the submission from Illumina Laboratory Services, Illumina above.

Illumina Laboratory Services, Illumina
Classification: Benign for Weill-Marchesani syndrome. Last evaluated: 2018-01-13. Review status: criteria provided, single submitter. Criteria: ICSL Variant Classification Criteria 13 December 2019. Collection method: clinical testing. Allele origin: germline.
Comment: the same text as in the submission from Illumina Laboratory Services, Illumina above.

Illumina Laboratory Services, Illumina
Classification: Uncertain significance for Familial thoracic aortic aneurysm and aortic dissection. Last evaluated: 2018-01-13. Review status: criteria provided, single submitter. Criteria: ICSL Variant Classification Criteria 13 December 2019. Collection method: clinical testing. Allele origin: germline.

Center for Medical Genetics Ghent, University of Ghent
Classification: Uncertain significance for Marfan syndrome. Last evaluated: 2017-11-07. Review status: no assertion criteria provided. Collection method: clinical testing. Allele origin: germline. Affected: yes. Not counted in ClinVar's aggregate classification.

NM_000138.5(FBN1):c.3740A>T (p.Asn1247Ile)

Gene: FBN1 (fibrillin 1; minus strand). Cytogenetic location: 15q21.1.
Variant type: single nucleotide variant.
Coding change: c.3740A>T on transcript NM_000138.5 (MANE Select); coding-DNA position 3740, A replaced by T.
Protein change: p.Asn1247Ile; replaces asparagine 1247 with isoleucine.
Molecular consequence: missense variant.
Genome position (GRCh38, 1-based): chr15:48,483,916, T>A on the plus strand (A>T on the coding strand, the complement: FBN1 is on the minus strand). VCF-style: chr15-48483916-T-A. GRCh37 (hg19) VCF-style: chr15-48776113-T-A.
Other names: short protein forms N1247I.
Identifiers: ClinVar variation 316376 (VCV000316376.32), dbSNP rs568625812, ClinGen allele CA051501.